The following is an entry in ClinVar:

NM_021930.6(RINT1):c.539T>C (p.Met180Thr)

Gene: RINT1 (RAD50 interactor 1; plus strand). Cytogenetic location: 7q22.3.
Variant type: single nucleotide variant.
Coding change: c.539T>C on transcript NM_021930.6 (MANE Select); coding-DNA position 539, T replaced by C.
Protein change: p.Met180Thr; replaces methionine 180 with threonine.
Molecular consequence: missense variant. On other transcripts: 5 prime UTR variant (2), non-coding transcript variant (1), intron variant (1).
Genome position (GRCh38, 1-based): chr7:105,546,933, T>C. VCF-style: chr7-105546933-T-C. GRCh37 (hg19) VCF-style: chr7-105187380-T-C.
Other names: c.305T>C, p.Met102Thr (NM_001346599.2); c.-481T>C (NM_001346600.2); c.-384T>C (NM_001346601.2); c.-27-3122T>C (NM_001346603.2); short protein forms M180T, M102T.
Identifiers: ClinVar variation 5028268 (VCV005028268.1).

ClinVar aggregate classification (germline): Uncertain significance (1 of 4 stars; one submission).

Submission:

Ambry Genetics
Classification: Uncertain significance. Last evaluated: 2026-06-28. Review status: criteria provided, single submitter. Criteria: Ambry Variant Classification Scheme 2023. Collection method: clinical testing. Allele origin: germline.
Comment: The p.M180T variant (also known as c.539T>C), located in coding exon 5 of the RINT1 gene, results from a T to C substitution at nucleotide position 539. The methionine at codon 180 is replaced by threonine, an amino acid with similar properties. This amino acid position is conserved. In addition, the in silico prediction for this alteration is inconclusive. Based on the available evidence, the clinical significance of this variant remains unclear.